The following is an entry in ClinVar:

NM_001375808.2(LPIN2):c.469C>T (p.Arg157Ter)

Gene: LPIN2 (lipin 2; minus strand). Cytogenetic location: 18p11.31.
Variant type: single nucleotide variant.
Coding change: c.469C>T on transcript NM_001375808.2 (MANE Select); coding-DNA position 469, C replaced by T.
Protein change: p.Arg157Ter; replaces arginine 157 with a stop codon.
Molecular consequence: nonsense.
Genome position (GRCh38, 1-based): chr18:2,951,176, G>A on the plus strand (C>T on the coding strand, the complement: LPIN2 is on the minus strand). VCF-style: chr18-2951176-G-A. GRCh37 (hg19) VCF-style: chr18-2951174-G-A.
Other names: c.469C>T, p.Arg157Ter (NM_001375809.1, NM_014646.2); short protein forms R157*.
Identifiers: ClinVar variation 548484 (VCV000548484.8), dbSNP rs916009547, ClinGen allele CA295517131.
Genomic context (GRCh38, chr18:2,951,176, plus strand): 5'-CAGCAGCAGATGCGGCCTGCTCTTCCTTCTTACTGTCCTGTTTGTATTTCTTTCTCCTTC[G>A]TTTTTTCTTTTTCACAGAACTTGGAGTAAAAATTGTCTCTGTTTCCAAGACGTGTGAGAT-3'

ClinVar aggregate classification (germline): Pathogenic. Review status: criteria provided, multiple submitters, no conflicts (2 of 4 stars). 2 submissions from 2 submitters: Pathogenic (2). Last evaluated 2023-11-28.

Conditions:
Majeed syndrome (MJDS). Also called: CHRONIC RECURRENT MULTIFOCAL OSTEOMYELITIS 1, WITH CONGENITAL DYSERYTHROPOIETIC ANEMIA, WITH OR WITHOUT NEUTROPHILIC DERMATOSIS; LPIN2-Related Majeed Syndrome. Identifiers: Orphanet 77297, MedGen C1864997, MONDO:0012316, OMIM 609628.

Allele frequency attached by ClinVar (database versions not stated): gnomAD exomes below 0.00001 and 0.00001.

Submissions (2):

Labcorp Genetics (formerly Invitae), Labcorp
Classification: Pathogenic for Majeed syndrome. Last evaluated: 2023-11-28. Review status: criteria provided, single submitter. Criteria: Invitae Variant Classification Sherloc (09022015). Collection method: clinical testing. Allele origin: germline.
Comment: This sequence change creates a premature translational stop signal (p.Arg157*) in the LPIN2 gene. It is expected to result in an absent or disrupted protein product. Loss-of-function variants in LPIN2 are known to be pathogenic (PMID: 15994876, 23087183). This variant is present in population databases (no rsID available, gnomAD 0.0009%). This variant has not been reported in the literature in individuals affected with LPIN2-related conditions. ClinVar contains an entry for this variant (Variation ID: 548484). For these reasons, this variant has been classified as Pathogenic.

Genomic Research Center, Shahid Beheshti University of Medical Sciences
Classification: Pathogenic for Majeed syndrome. Last evaluated: 2018-03-05. Review status: criteria provided, single submitter. Criteria: ACMG Guidelines, 2015. Collection method: clinical testing. Allele origin: inherited. Affected: yes. Observed: 1 variant allele.

Literature cited by the submitters: PubMed 15994876 (cited by Labcorp Genetics (formerly Invitae), Labcorp); PubMed 23087183 (cited by Labcorp Genetics (formerly Invitae), Labcorp).